The following is an entry in ClinVar:

NM_000170.3(GLDC):c.527T>C (p.Leu176Ser)

Gene: GLDC (glycine decarboxylase; minus strand). Cytogenetic location: 9p24.1.
Variant type: single nucleotide variant.
Coding change: c.527T>C on transcript NM_000170.3 (MANE Select); coding-DNA position 527, T replaced by C.
Protein change: p.Leu176Ser; replaces leucine 176 with serine.
Molecular consequence: missense variant.
Genome position (GRCh38, 1-based): chr9:6,610,300, A>G on the plus strand (T>C on the coding strand, the complement: GLDC is on the minus strand). VCF-style: chr9-6610300-A-G. GRCh37 (hg19) VCF-style: chr9-6610300-A-G.
Other names: short protein forms L176S.
Identifiers: ClinVar variation 2201756 (VCV002201756.2), dbSNP rs1458411946, ClinGen allele CA372898483.

ClinVar aggregate classification (germline): Uncertain significance. Review status: criteria provided, multiple submitters, no conflicts (2 of 4 stars). 2 submissions from 2 submitters: Uncertain significance (2). Last evaluated 2022-09-01.

Conditions:
Glycine encephalopathy. Also called: Nonketotic hyperglycinemia; Non-ketotic hyperglycinemia. Identifiers: Orphanet 407, MedGen C0751748, MONDO:0011612, HP:0008288.

Allele frequency attached by ClinVar (database versions not stated): gnomAD exomes 0.00001.

Submissions (2):

Labcorp Genetics (formerly Invitae), Labcorp
Classification: Uncertain significance for Glycine encephalopathy. Last evaluated: 2022-09-01. Review status: criteria provided, single submitter. Criteria: Invitae Variant Classification Sherloc (09022015). Collection method: clinical testing. Allele origin: germline.
Comment: This sequence change replaces leucine, which is neutral and non-polar, with serine, which is neutral and polar, at codon 176 of the GLDC protein (p.Leu176Ser). This variant is present in population databases (no rsID available, gnomAD 0.003%). This variant has not been reported in the literature in individuals affected with GLDC-related conditions. Advanced modeling of protein sequence and biophysical properties (such as structural, functional, and spatial information, amino acid conservation, physicochemical variation, residue mobility, and thermodynamic stability) performed at Invitae indicates that this missense variant is expected to disrupt GLDC protein function. In summary, the available evidence is currently insufficient to determine the role of this variant in disease. Therefore, it has been classified as a Variant of Uncertain Significance.

Blueprint Genetics
Classification: Uncertain significance. Last evaluated: 2020-01-20. Review status: criteria provided, single submitter. Criteria: ACMG Guidelines, 2015. Collection method: clinical testing. Allele origin: germline.